The following is an entry in ClinVar:

NM_173728.4(ARHGEF15):c.749G>A (p.Arg250His)

Gene: ARHGEF15 (Rho guanine nucleotide exchange factor 15; plus strand). Cytogenetic location: 17p13.1.
Variant type: single nucleotide variant.
Coding change: c.749G>A on transcript NM_173728.4 (MANE Select); coding-DNA position 749, G replaced by A.
Protein change: p.Arg250His; replaces arginine 250 with histidine.
Molecular consequence: missense variant.
Genome position (GRCh38, 1-based): chr17:8,313,069, G>A. VCF-style: chr17-8313069-G-A. GRCh37 (hg19) VCF-style: chr17-8216387-G-A.
Other names: c.749G>A, p.Arg250His (NM_025014.2); short protein forms R250H.
Identifiers: ClinVar variation 1466755 (VCV001466755.8), dbSNP rs763801843, ClinGen allele CA8374975.

ClinVar aggregate classification (germline): Uncertain significance. Review status: criteria provided, multiple submitters, no conflicts (2 of 4 stars). 2 submissions from 2 submitters: Uncertain significance (2). Last evaluated 2025-05-05.

Conditions:
Early-infantile DEE. Also called: Early infantile epileptic encephalopathy; Early infantile epileptic encephalopathy with suppression bursts; Ohtahara syndrome. Identifiers: Orphanet 1934, MedGen C0393706, MONDO:0800491.

Allele frequency attached by ClinVar (database versions not stated): ExAC 0.00002.
gnomAD v4.1: 23 of 1,573,268 alleles (0.0015%); highest among the groups gnomAD compares: East Asian, 0.0023%; no homozygotes.

Submissions (2):

Labcorp Genetics (formerly Invitae), Labcorp
Classification: Uncertain significance for Early-infantile DEE. Last evaluated: 2025-05-05. Review status: criteria provided, single submitter. Criteria: Invitae Variant Classification Sherloc (09022015). Collection method: clinical testing. Allele origin: germline.
Comment: This sequence change replaces arginine, which is basic and polar, with histidine, which is basic and polar, at codon 250 of the ARHGEF15 protein (p.Arg250His). This variant is present in population databases (rs763801843, gnomAD 0.002%). This variant has not been reported in the literature in individuals affected with ARHGEF15-related conditions. ClinVar contains an entry for this variant (Variation ID: 1466755). An algorithm developed to predict the effect of missense changes on protein structure and function (PolyPhen-2) suggests that this variant is likely to be tolerated. In summary, the available evidence is currently insufficient to determine the role of this variant in disease. Therefore, it has been classified as a Variant of Uncertain Significance.

Breakthrough Genomics
Classification: Uncertain significance. Review status: criteria provided, single submitter. Criteria: ACMG Guidelines, 2015. Collection method: not provided. Allele origin: germline. Inheritance: Unknown mechanism. Affected: yes.